The following is an entry in ClinVar:

NM_015466.4(PTPN23):c.3940G>A (p.Gly1314Ser)

Gene: PTPN23 (protein tyrosine phosphatase non-receptor type 23; plus strand). Cytogenetic location: 3p21.31.
Variant type: single nucleotide variant.
Coding change: c.3940G>A on transcript NM_015466.4 (MANE Select); coding-DNA position 3940, G replaced by A.
Protein change: p.Gly1314Ser; replaces glycine 1314 with serine.
Molecular consequence: missense variant.
Genome position (GRCh38, 1-based): chr3:47,411,834, G>A. VCF-style: chr3-47411834-G-A. GRCh37 (hg19) VCF-style: chr3-47453324-G-A.
Other names: c.3562G>A, p.Gly1188Ser (NM_001304482.2); short protein forms G1188S, G1314S.
Identifiers: ClinVar variation 2075332 (VCV002075332.1), dbSNP rs747311269, ClinGen allele CA2366408.

ClinVar aggregate classification (germline): Uncertain significance (1 of 4 stars; one submission).

Allele frequency attached by ClinVar (database versions not stated): ExAC 0.00001; TOPMed 0.00001; gnomAD 0.00002.
gnomAD v4.1: 16 of 1,612,960 alleles (0.00099%); highest among the groups gnomAD compares: Non-Finnish European, 0.0014%; no homozygotes.

Submission:

Labcorp Genetics (formerly Invitae), Labcorp
Classification: Uncertain significance. Last evaluated: 2022-09-18. Review status: criteria provided, single submitter. Criteria: Invitae Variant Classification Sherloc (09022015). Collection method: clinical testing. Allele origin: germline.
Comment: This sequence change replaces glycine, which is neutral and non-polar, with serine, which is neutral and polar, at codon 1314 of the PTPN23 protein (p.Gly1314Ser). This variant is present in population databases (rs747311269, gnomAD 0.003%). This variant has not been reported in the literature in individuals affected with PTPN23-related conditions. Algorithms developed to predict the effect of missense changes on protein structure and function are either unavailable or do not agree on the potential impact of this missense change (SIFT: "Tolerated"; PolyPhen-2: "Probably Damaging"; Align-GVGD: "Class C0"). In summary, the available evidence is currently insufficient to determine the role of this variant in disease. Therefore, it has been classified as a Variant of Uncertain Significance.